The following is an entry in ClinVar:

ClinVar aggregate classification (germline): Uncertain significance (1 of 4 stars; one submission).

Conditions:
Cardiovascular phenotype. Identifiers: MedGen CN230736.

Submission:

Ambry Genetics
Classification: Uncertain significance for Cardiovascular phenotype. Last evaluated: 2025-05-03. Review status: criteria provided, single submitter. Criteria: Ambry Variant Classification Scheme 2023. Collection method: clinical testing. Allele origin: germline.
Comment: The p.I866T variant (also known as c.2597T>C), located in coding exon 33 of the CACNA2D1 gene, results from a T to C substitution at nucleotide position 2597. The isoleucine at codon 866 is replaced by threonine, an amino acid with similar properties. This amino acid position is conserved. In addition, the in silico prediction for this alteration is inconclusive. Based on the available evidence, the clinical significance of this variant remains unclear.

NM_000722.4(CACNA2D1):c.2597T>C (p.Ile866Thr)

Gene: CACNA2D1 (calcium voltage-gated channel auxiliary subunit alpha2delta 1; minus strand). Cytogenetic location: 7q21.11.
Variant type: single nucleotide variant.
Coding change: c.2597T>C on transcript NM_000722.4 (MANE Select); coding-DNA position 2597, T replaced by C.
Protein change: p.Ile866Thr; replaces isoleucine 866 with threonine.
Molecular consequence: missense variant.
Genome position (GRCh38, 1-based): chr7:81,964,337, A>G on the plus strand (T>C on the coding strand, the complement: CACNA2D1 is on the minus strand). VCF-style: chr7-81964337-A-G. GRCh37 (hg19) VCF-style: chr7-81593653-A-G.
Other names: c.2633T>C, p.Ile878Thr (NM_001366867.1); short protein forms I866T, I878T.
Identifiers: ClinVar variation 3994529 (VCV003994529.1).